The following is an entry in ClinVar:

NM_003611.3(OFD1):c.7G>T (p.Ala3Ser)

Genes: OFD1 (OFD1 centriole and centriolar satellite protein; plus strand), LOC126863212 (CDK7 strongly-dependent group 2 enhancer GRCh37_chrX:13752241-13753440; plus strand). Cytogenetic location: Xp22.2.
Variant type: single nucleotide variant.
Coding change: c.7G>T on transcript NM_003611.3 (MANE Select); coding-DNA position 7, G replaced by T.
Protein change: p.Ala3Ser; replaces alanine 3 with serine.
Molecular consequence: missense variant. On other transcripts: 5 prime UTR variant (1).
Genome position (GRCh38, 1-based): chrX:13,735,078, G>T. VCF-style: chrX-13735078-G-T. GRCh37 (hg19) VCF-style: chrX-13753197-G-T.
Other names: c.7G>T, p.Ala3Ser (NM_001330209.2); c.-539G>T (NM_001330210.2); short protein forms A3S.
Identifiers: ClinVar variation 2935770 (VCV002935770.3), dbSNP rs2046800981, ClinGen allele CA412331016.

ClinVar aggregate classification (germline): Uncertain significance (1 of 4 stars; one submission).

Conditions:
Joubert syndrome. Also called: CEREBELLOPARENCHYMAL DISORDER IV; JOUBERT-BOLTSHAUSER SYNDROME; Familial aplasia of the vermis. Identifiers: Orphanet 475, MedGen C5979921, MONDO:0018772.
Orofaciodigital syndrome I (OFD1). Also called: OFDS I; Papillon-Leage and Psaume Syndrome; Oral-Facial-Digital Syndrome Type I. Identifiers: Orphanet 2750, MedGen C1510460, MONDO:0010702, OMIM 311200.

Allele frequency attached by ClinVar (database versions not stated): gnomAD exomes below 0.00001.

Submission:

Labcorp Genetics (formerly Invitae), Labcorp
Classification: Uncertain significance for Orofaciodigital syndrome I; Joubert syndrome. Last evaluated: 2023-08-11. Review status: criteria provided, single submitter. Criteria: Invitae Variant Classification Sherloc (09022015). Collection method: clinical testing. Allele origin: germline.
Comment: This sequence change replaces alanine, which is neutral and non-polar, with serine, which is neutral and polar, at codon 3 of the OFD1 protein (p.Ala3Ser). This variant is not present in population databases (gnomAD no frequency). This variant has not been reported in the literature in individuals affected with OFD1-related conditions. Algorithms developed to predict the effect of missense changes on protein structure and function output the following: SIFT: "Not Available"; PolyPhen-2: "Benign"; Align-GVGD: "Not Available". The serine amino acid residue is found in multiple mammalian species, which suggests that this missense change does not adversely affect protein function. In summary, the available evidence is currently insufficient to determine the role of this variant in disease. Therefore, it has been classified as a Variant of Uncertain Significance.